The following is an entry in ClinVar:

NM_001692.4(ATP6V1B1):c.85dup (p.Val29fs)

Gene: ATP6V1B1 (ATPase H+ transporting V1 subunit B1; plus strand). Cytogenetic location: 2p13.3.
Variant type: Duplication.
Coding change: c.85dup on transcript NM_001692.4 (MANE Select); coding-DNA position 85, one base duplicated (G; older notation c.85dupG).
Protein change: p.Val29fs; shifts the reading frame from valine 29.
Molecular consequence: frameshift variant.
Genome position (GRCh38, 1-based): chr2:70,936,039, G duplicated; the last of 2 consecutive G bases (chr2:70,936,038-70,936,039); duplicating either gives the same sequence. VCF-style (leftmost placement, unchanged base first): chr2-70936037-C-CG. GRCh37 (hg19) VCF-style: chr2-71163167-C-CG.
Other names: short protein forms V29fs.
Identifiers: ClinVar variation 5012018 (VCV005012018.1).
Genomic context (GRCh38, chr2:70,936,037, plus strand): 5'-GGCCTGGGGGGCTCCCCGGCAGTAGCTGCAACCTAGGTGCAGCCCGAGAACACATGCAGG[C>CG]GGTCACCCGAAACTACATCACCCACCCCCGTGTCAGTGAGTAGCCCCTCCACCGTGACGG-3'

ClinVar aggregate classification (germline): Pathogenic (1 of 4 stars; one submission).

Conditions:
Renal tubular acidosis with progressive nerve deafness. Also called: RENAL TUBULAR ACIDOSIS, AUTOSOMAL RECESSIVE, WITH PROGRESSIVE NERVE DEAFNESS; RTA WITH PROGRESSIVE NERVE DEAFNESS; Distal Renal Tubular Acidosis with Progressive Sensorineural Deafness; renal tubular acidosis, distal, 2, with progressive sensorineural hearing loss. Identifiers: MedGen C0403554, MONDO:0009968, OMIM 267300.

Submission:

Myriad Genetics, Inc.
Classification: Pathogenic for Renal tubular acidosis with progressive nerve deafness. Last evaluated: 2023-09-27. Review status: criteria provided, single submitter. Criteria: Myriad Autosomal Dominant, Autosomal Recessive and X-Linked Classification Criteria (2023). Collection method: clinical testing. Allele origin: unknown.
Comment: NM_001692.3(ATP6V1B1):c.85dupG(V29Gfs*54) is expected to be pathogenic in the context of distal renal tubular acidosis with deafness, ATP6V1B1-related. This variant is predicted to lead to an abnormal or absent protein product due to the creation of a premature termination codon in ATP6V1B1, a gene where loss-of-function variants are known to be pathogenic. Please note: this variant was assessed in the context of healthy population screening.